The following is an entry in ClinVar:

ClinVar aggregate classification (germline): Benign/Likely benign. Review status: criteria provided, multiple submitters, no conflicts (2 of 4 stars). 3 submissions from 3 submitters: Benign (1); Likely benign (2). Last evaluated 2025-07-21.

Conditions:
Hereditary cancer-predisposing syndrome. Also called: Hereditary Cancer Syndrome; Neoplastic Syndromes, Hereditary; Hereditary neoplastic syndrome; Tumor predisposition. Identifiers: Orphanet 140162, MedGen C0027672, MeSH D009386, MONDO:0015356.
Familial thoracic aortic aneurysm and aortic dissection (TAAD). Also called: Thoracic aortic aneurysms and dissections. Identifiers: Orphanet 91387, MedGen C4707243, MONDO:0019625.
Juvenile polyposis syndrome (JPS). Identifiers: Orphanet 2929, MedGen C0345893, MONDO:0017380, OMIM 174900.
Juvenile polyposis/hereditary hemorrhagic telangiectasia syndrome (JPHT). Also called: JP/HHT SYNDROME; JUVENILE POLYPOSIS WITH HEREDITARY HEMORRHAGIC TELANGIECTASIA; POLYPOSIS, GENERALIZED JUVENILE, WITH PULMONARY ARTERIOVENOUS MALFORMATION; TELANGIECTASIA, HEREDITARY HEMORRHAGIC, WITH JUVENILE POLYPOSIS COLI; Juvenile Polyposis Syndrome / Hereditary Hemorrhagic Telangiectasia (JPS/HHT). Identifiers: Orphanet 2929, MedGen C1832942, MONDO:0008278, OMIM 175050.

Submissions (3):

Labcorp Genetics (formerly Invitae), Labcorp
Classification: Likely benign for Juvenile polyposis syndrome. Last evaluated: 2025-07-21. Review status: criteria provided, single submitter. Criteria: Invitae Variant Classification Sherloc (09022015). Collection method: clinical testing. Allele origin: germline.

Myriad Genetics, Inc.
Classification: Benign for Juvenile polyposis/hereditary hemorrhagic telangiectasia syndrome. Last evaluated: 2025-03-20. Review status: criteria provided, single submitter. Criteria: Myriad Autosomal Dominant, Autosomal Recessive and X-Linked Classification Criteria (2023). Collection method: clinical testing. Allele origin: unknown.
Comment: This variant is considered benign. This variant is a silent/synonymous amino acid change and it is not expected to impact splicing.

Ambry Genetics
Classification: Likely benign for Hereditary cancer-predisposing syndrome; Familial thoracic aortic aneurysm and aortic dissection. Last evaluated: 2023-12-15. Review status: criteria provided, single submitter. Criteria: Ambry Variant Classification Scheme 2023. Collection method: clinical testing. Allele origin: germline.

NM_005359.6(SMAD4):c.945C>G (p.Ser315=)

Gene: SMAD4 (SMAD family member 4; plus strand). Cytogenetic location: 18q21.2.
Variant type: single nucleotide variant.
Coding change: c.945C>G on transcript NM_005359.6 (MANE Select); coding-DNA position 945, C replaced by G.
Protein change: p.Ser315=; no amino-acid change (serine 315 retained).
Molecular consequence: synonymous variant.
Genome position (GRCh38, 1-based): chr18:51,059,906, C>G. VCF-style: chr18-51059906-C-G. GRCh37 (hg19) VCF-style: chr18-48586276-C-G.
Other names: c.945C>G (NM_005359.5).
Identifiers: ClinVar variation 1109784 (VCV001109784.11), dbSNP rs1408798906, ClinGen allele CA503873941.